The following is an entry in ClinVar:

ClinVar aggregate classification (germline): Pathogenic (1 of 4 stars; one submission).

Conditions:
RYR1-related disorder. Also called: RYR1-related disorders; RYR1-related condition. Identifiers: MedGen CN239331.

Submission:

Labcorp Genetics (formerly Invitae), Labcorp
Classification: Pathogenic for RYR1-related disorder. Last evaluated: 2021-03-24. Review status: criteria provided, single submitter. Criteria: Invitae Variant Classification Sherloc (09022015). Collection method: clinical testing. Allele origin: germline.
Comment: For these reasons, this variant has been classified as Pathogenic. This variant has not been reported in the literature in individuals with RYR1-related conditions. ClinVar contains an entry for this variant (Variation ID: 640541). This variant is not present in population databases (ExAC no frequency). This sequence change creates a premature translational stop signal (p.Ser3600*) in the RYR1 gene. It is expected to result in an absent or disrupted protein product. Loss-of-function variants in RYR1 are known to be pathogenic (PMID: 20583297, 20839240, 23919265, 28818389).

Literature cited by the submitters: PubMed 20583297; PubMed 20839240; PubMed 23919265; PubMed 28818389.

NM_000540.3(RYR1):c.10799C>G (p.Ser3600Ter)

Gene: RYR1 (ryanodine receptor 1; plus strand). Cytogenetic location: 19q13.2.
Variant type: single nucleotide variant.
Coding change: c.10799C>G on transcript NM_000540.3 (MANE Select); coding-DNA position 10799, C replaced by G.
Protein change: p.Ser3600Ter; replaces serine 3600 with a stop codon.
Molecular consequence: nonsense.
Genome position (GRCh38, 1-based): chr19:38,527,759, C>G. VCF-style: chr19-38527759-C-G. GRCh37 (hg19) VCF-style: chr19-39018399-C-G.
Other names: c.10784C>G, p.Ser3595Ter (NM_001042723.2); short protein forms S3595*, S3600*.
Identifiers: ClinVar variation 640541 (VCV000640541.8), dbSNP rs1290121403, ClinGen allele CA405647314.
Genomic context (GRCh38, chr19:38,527,759, plus strand): 5'-CGGGTCGCGAGGAGGACGCCGATGACCCCGAGAAAATCGTGCGCAGAGTCCAGGAAGTGT[C>G]AGCCGTGCTCTACTACCTGGACCAGGTGGGTGGGGCCGGAGGGGTCTTTCTACTGGGTCT-3'